The following is an entry in ClinVar:

ClinVar aggregate classification (germline): Uncertain significance (1 of 4 stars; one submission).

Submission:

GeneDx
Classification: Uncertain significance. Last evaluated: 2026-02-24. Review status: criteria provided, single submitter. Criteria: GeneDx Variant Classification Process June 2021. Collection method: clinical testing. Allele origin: germline.
Comment: Not observed at significant frequency in large population cohorts (gnomAD); In silico analysis supports that this missense variant has a deleterious effect on protein structure/function; Has not been previously published as pathogenic or benign to our knowledge

NM_057175.5(NAA15):c.662G>T (p.Cys221Phe)

Gene: NAA15 (N-alpha-acetyltransferase 15, NatA auxiliary subunit; plus strand). Cytogenetic location: 4q31.1.
Variant type: single nucleotide variant.
Coding change: c.662G>T on transcript NM_057175.5 (MANE Select); coding-DNA position 662, G replaced by T.
Protein change: p.Cys221Phe; replaces cysteine 221 with phenylalanine.
Molecular consequence: missense variant.
Genome position (GRCh38, 1-based): chr4:139,344,310, G>T. VCF-style: chr4-139344310-G-T. GRCh37 (hg19) VCF-style: chr4-140265464-G-T.
Other names: c.662G>T, p.Cys221Phe (NM_001410842.1); short protein forms C221F.
Identifiers: ClinVar variation 5010079 (VCV005010079.1).
Genomic context (GRCh38, chr4:139,344,310, plus strand): 5'-GGGAAGCAGGTCTCTATAGAGAAGCTTTGGAACATCTTTGTACCTATGAAAAGCAGATTT[G>T]TGATAAACTTGCTGTAGAAGAAACCAAAGGTATTTTTAAAAGAATTGTCATTTATTCTAA-3'
Protein context (NP_476516.1, residues 211-231): EHLCTYEKQI[Cys221Phe]DKLAVEETKG